The following is an entry in ClinVar:

NM_002691.4(POLD1):c.2087G>C (p.Ser696Thr)

Gene: POLD1 (DNA polymerase delta 1, catalytic subunit; plus strand). Cytogenetic location: 19q13.33.
Variant type: single nucleotide variant.
Coding change: c.2087G>C on transcript NM_002691.4 (MANE Select); coding-DNA position 2087, G replaced by C.
Protein change: p.Ser696Thr; replaces serine 696 with threonine.
Molecular consequence: missense variant. On other transcripts: non-coding transcript variant (1), intron variant (2).
Genome position (GRCh38, 1-based): chr19:50,409,599, G>C. VCF-style: chr19-50409599-G-C. GRCh37 (hg19) VCF-style: chr19-50912856-G-C.
Other names: c.2082+5G>C (NM_001438210.1, NM_001438211.1); c.2087G>C, p.Ser696Thr (NM_001256849.1, NM_001438212.1, NM_001438213.1); c.2165G>C, p.Ser722Thr (NM_001308632.1); short protein forms S696T, S722T.
Identifiers: ClinVar variation 5027012 (VCV005027012.1).

ClinVar aggregate classification (germline): Uncertain significance (1 of 4 stars; one submission).

Conditions:
Hereditary cancer-predisposing syndrome. Also called: Neoplastic Syndromes, Hereditary; Tumor predisposition; Hereditary neoplastic syndrome; Hereditary Cancer Syndrome. Identifiers: Orphanet 140162, MedGen C0027672, MeSH D009386, MONDO:0015356.

Submission:

Ambry Genetics
Classification: Uncertain significance for Hereditary cancer-predisposing syndrome. Last evaluated: 2026-09-02. Review status: criteria provided, single submitter. Criteria: Ambry Variant Classification Scheme 2023. Collection method: clinical testing. Allele origin: germline.
Comment: The p.S696T variant (also known as c.2087G>C), located in coding exon 16 of the POLD1 gene, results from a G to C substitution at nucleotide position 2087. The serine at codon 696 is replaced by threonine, an amino acid with similar properties. This amino acid position is highly conserved in available vertebrate species. In addition, this alteration is predicted to be tolerated by in silico analysis. Based on the available evidence, the clinical significance of this variant remains unclear.